The following is an entry in ClinVar:

ClinVar aggregate classification (germline): Uncertain significance (1 of 4 stars; one submission).

Conditions:
Danon disease. Also called: PSEUDOGLYCOGENOSIS II; GSD IIb; LYSOSOMAL GLYCOGEN STORAGE DISEASE WITHOUT ACID MALTASE DEFICIENCY; ANTOPOL DISEASE; Glycogen Storage Disease Type IIb. Identifiers: Orphanet 34587, MedGen C0878677, MONDO:0010281, OMIM 300257.

Allele frequency attached by ClinVar (database versions not stated): gnomAD exomes 0.00001 and 0.00002; ExAC 0.00003.

Submission:

Labcorp Genetics (formerly Invitae), Labcorp
Classification: Uncertain significance for Danon disease. Last evaluated: 2020-05-05. Review status: criteria provided, single submitter. Criteria: Invitae Variant Classification Sherloc (09022015). Collection method: clinical testing. Allele origin: germline.
Comment: This sequence change replaces glycine with arginine at codon 360 of the LAMP2 protein (p.Gly360Arg). The glycine residue is moderately conserved and there is a moderate physicochemical difference between glycine and arginine. This variant is present in population databases (rs781134467, ExAC 0.006%). This variant has not been reported in the literature in individuals with LAMP2-related conditions. Algorithms developed to predict the effect of missense changes on protein structure and function are either unavailable or do not agree on the potential impact of this missense change (SIFT: "Tolerated"; PolyPhen-2: "Possibly Damaging"; Align-GVGD: "Class C0"). In summary, the available evidence is currently insufficient to determine the role of this variant in disease. Therefore, it has been classified as a Variant of Uncertain Significance.

NM_002294.3(LAMP2):c.1078G>A (p.Gly360Arg)

Gene: LAMP2 (lysosome associated membrane protein 2; minus strand). Cytogenetic location: Xq24.
Variant type: single nucleotide variant.
Coding change: c.1078G>A on transcript NM_002294.3 (MANE Select); coding-DNA position 1078, G replaced by A.
Protein change: p.Gly360Arg; replaces glycine 360 with arginine.
Molecular consequence: missense variant.
Genome position (GRCh38, 1-based): chrX:120,441,745, C>T on the plus strand (G>A on the coding strand, the complement: LAMP2 is on the minus strand). VCF-style: chrX-120441745-C-T. GRCh37 (hg19) VCF-style: chrX-119575600-C-T.
Other names: c.1078G>A, p.Gly360Arg (NM_001122606.1, NM_013995.2); short protein forms G360R.
Identifiers: ClinVar variation 939044 (VCV000939044.9), dbSNP rs781134467, ClinGen allele CA10505209.
Genomic context (GRCh38, chrX:120,441,745, plus strand): 5'-CAACATAAGAACATAAATTATTAATGAAGTTTGCTTGATTCTTACCTGTAGAATACTTTC[C>T]TTGTGTCACATTGAAAGGCTGAACCCTTAGATCAAAGGTATTTATCTGAAATGCTCCAGA-3'
Protein context (NP_002285.1, residues 350-370): LRVQPFNVTQ[Gly360Arg]KYSTAQDCSA